The following is an entry in ClinVar:

ClinVar aggregate classification (germline): Likely pathogenic (1 of 4 stars; one submission).

Conditions:
Oligospermia. Identifiers: MedGen C0028960, MeSH D009845, MONDO:0001913.
Reduced sperm motility. Also called: asthenozoospermia. Identifiers: MedGen C4082176, HP:0012207.
Abnormal sperm morphology. Also called: Teratozoospermia. Identifiers: MedGen C0403824, HP:0012864.

Submission:

Huzhibin Lab, Nanjing Medical University
Classification: Likely pathogenic for Oligozoospermia; Reduced sperm motility; Abnormal sperm morphology. Review status: criteria provided, single submitter. Criteria: ACMG Guidelines, 2015. Collection method: research. Allele origin: germline. Inheritance: X-linked recessive inheritance. Affected: yes. Observed: 1 variant allele, 1 hemizygote.
Comment: Criteria:PS4,PM2,PP3 This gene is a known causative gene for teratozoospermia located in ChrX, and male knockout mice of this gene have been shown to have a teratospermic phenotype and be infertile in males. While the variant we found here is a missense but not LoF variant. This rare homozygous variant in this gene was not found in the control population, and this variant cannot be found in the gnomad and ExAC databases, it was also predicted to be pathogenic by multiple algorithms,such as CADD(25.3), polyphen(0.999), SIFT(0.04), AlphaMissense(Pathogenic).

Literature cited by the submitters: PubMed 22184064.

NM_006201.5(CDK16):c.43C>T (p.Leu15Phe)

Gene: CDK16 (cyclin dependent kinase 16; plus strand). Cytogenetic location: Xp11.3.
Variant type: single nucleotide variant.
Coding change: c.43C>T on transcript NM_006201.5 (MANE Select); coding-DNA position 43, C replaced by T.
Protein change: p.Leu15Phe; replaces leucine 15 with phenylalanine.
Molecular consequence: missense variant.
Genome position (GRCh38, 1-based): chrX:47,223,600, C>T. VCF-style: chrX-47223600-C-T. GRCh37 (hg19) VCF-style: chrX-47082999-C-T.
Other names: c.265C>T, p.Leu89Phe (NM_001170460.2); c.61C>T, p.Leu21Phe (NM_033018.4); short protein forms L15F, L21F, L89F.
Identifiers: ClinVar variation 3239639 (VCV003239639.2).